The following is an entry in ClinVar:

ClinVar aggregate classification (germline): Likely benign (1 of 4 stars; one submission).

gnomAD v4.1: 16 of 1,613,132 alleles (0.00099%); highest among the groups gnomAD compares: African/African-American, 0.0027%; no homozygotes.

Submission:

Athena Diagnostics
Classification: Likely benign. Last evaluated: 2025-03-03. Review status: criteria provided, single submitter. Criteria: Athena Diagnostics Criteria. Collection method: clinical testing. Allele origin: unknown.
Comment: The frequency of this variant in the general population is higher than would generally be expected for pathogenic variants in this gene. This nucleotide position exhibits low evolutionary conservation.

NM_000435.3(NOTCH3):c.3750C>T (p.Cys1250=)

Gene: NOTCH3 (notch receptor 3; minus strand). Cytogenetic location: 19p13.12.
Variant type: single nucleotide variant.
Coding change: c.3750C>T on transcript NM_000435.3 (MANE Select); coding-DNA position 3750, C replaced by T.
Protein change: p.Cys1250=; no amino-acid change (cysteine 1250 retained).
Molecular consequence: synonymous variant.
Genome position (GRCh38, 1-based): chr19:15,178,910, G>A on the plus strand (C>T on the coding strand, the complement: NOTCH3 is on the minus strand). VCF-style: chr19-15178910-G-A. GRCh37 (hg19) VCF-style: chr19-15289721-G-A.
Identifiers: ClinVar variation 4682441 (VCV004682441.1).